The following is an entry in ClinVar:

NM_000051.4(ATM):c.742C>T (p.Arg248Ter)

Gene: ATM (ATM serine/threonine kinase; plus strand). Cytogenetic location: 11q22.3.
Variant type: single nucleotide variant.
Coding change: c.742C>T on transcript NM_000051.4 (MANE Select); coding-DNA position 742, C replaced by T.
Protein change: p.Arg248Ter; replaces arginine 248 with a stop codon.
Molecular consequence: nonsense.
Genome position (GRCh38, 1-based): chr11:108,244,867, C>T. VCF-style: chr11-108244867-C-T. GRCh37 (hg19) VCF-style: chr11-108115594-C-T.
Other names: p.R248*:CGA>TGA; c.742C>T, p.Arg248Ter (NM_001351834.2); short protein forms R248*.
Identifiers: ClinVar variation 181913 (VCV000181913.73), dbSNP rs730881336, ClinGen allele CA298123.

ClinVar aggregate classification (germline): Pathogenic. Review status: criteria provided, multiple submitters, no conflicts (2 of 4 stars). 17 submissions from 17 submitters: Pathogenic (14). 3 of the submissions do not count toward it. Last evaluated 2026-01-13.

Conditions:
Gastric cancer. Also called: Malignant tumor of stomach; Stomach cancer. Identifiers: MedGen C0024623, MeSH D013274, MONDO:0001056, OMIM 613659, HP:0012126.
Ataxia-telangiectasia syndrome (AT). Also called: Ataxia telangiectasia (A-T); LOUIS-BAR SYNDROME; Ataxia-telangiectasia; Cerebello-oculocutaneous telangiectasia; Immunodeficiency with ataxia telangiectasia; Ataxia-telangiectasia, complementation group D. Identifiers: Orphanet 100, MedGen C0004135, MONDO:0008840, OMIM 208900.
Familial cancer of breast. Also called: hereditary breast carcinoma; Hereditary breast cancer; BREAST CANCER, FAMILIAL. Identifiers: Orphanet 227535, MedGen C0346153, MONDO:0016419, OMIM 114480. Disease mechanism: loss of function.
Hereditary cancer-predisposing syndrome. Also called: Hereditary neoplastic syndrome; Tumor predisposition; Neoplastic Syndromes, Hereditary; Hereditary Cancer Syndrome. Identifiers: Orphanet 140162, MedGen C0027672, MeSH D009386, MONDO:0015356.

Allele frequency attached by ClinVar (database versions not stated): TOPMed below 0.00001; ExAC 0.00001; gnomAD exomes 0.00001.

Submissions 1 to 11 of 17:

Labcorp Genetics (formerly Invitae), Labcorp
Classification: Pathogenic for Ataxia-telangiectasia syndrome. Last evaluated: 2026-01-13. Review status: criteria provided, single submitter. Criteria: Invitae Variant Classification Sherloc (09022015). Collection method: clinical testing. Allele origin: germline.
Comment: This sequence change creates a premature translational stop signal (p.Arg248*) in the ATM gene. It is expected to result in an absent or disrupted protein product. Loss-of-function variants in ATM are known to be pathogenic (PMID: 23807571, 25614872). The frequency data for this variant in the population databases is considered unreliable, as metrics indicate poor data quality at this position in the gnomAD database. This premature translational stop signal has been observed in individual(s) with ataxia telangiectasia (PMID: 9711876, 16266405, 26681312, 27433846, 28281021). ClinVar contains an entry for this variant (Variation ID: 181913). RNA analysis performed to evaluate the impact of this premature translational stop signal on mRNA splicing indicates it does not significantly alter splicing (internal data). For these reasons, this variant has been classified as Pathogenic.

Natera, Inc.
Classification: Pathogenic for Ataxia-telangiectasia. Last evaluated: 2025-12-16. Review status: criteria provided, single submitter. Criteria: Natera Variant Classification Schema (03/2026). Collection method: clinical testing. Allele origin: germline.
Comment: The c.742C>T variant in ATM is a nonsense variant predicted to introduce a stop codon at amino acid 248. This variant is expected to result in nonsense mediated decay, truncation, or a dysfunctional protein product. This variant is rare in the general population with a frequency below the threshold expected for the associated phenotype(s). This variant has been observed in one or more individuals affected with the associated recessive disease, as either homozygous or compound heterozygous with a second variant (PMID: 34404412). Given the available evidence, this variant is classified as Pathogenic.

Color Diagnostics, LLC DBA Color Health
Classification: Pathogenic for Hereditary cancer-predisposing syndrome. Last evaluated: 2025-02-24. Review status: criteria provided, single submitter. Criteria: ACMG Guidelines, 2015. Collection method: clinical testing. Allele origin: germline.
Comment: This variant changes 1 nucleotide in exon 7 of the ATM gene, creating a premature translation stop signal. This variant is expected to result in an absent or non-functional protein product. This variant has been reported in individuals affected with breast cancer (PMID: 26681312, 28281021) and prostate cancer (PMID: 27433846). This variant has been reported in the compound heterozygous state in individuals affected with ataxia-telangiectasia (PMID: 9711876, 16266405, 30402232, 34404412). This variant has been identified in 2/245760 chromosomes in the general population by the Genome Aggregation Database (gnomAD). Loss of ATM function is a known mechanism of disease. Based on the available evidence, this variant is classified as Pathogenic.

3billion
Classification: Pathogenic for Ataxia-telangiectasia syndrome. Last evaluated: 2024-11-25. Review status: criteria provided, single submitter. Criteria: ACMG Guidelines, 2015. Collection method: clinical testing. Allele origin: germline. Affected: yes.
Comment: The variant is observed at an extremely low frequency in the gnomAD v4.1.0 dataset (total allele frequency: <0.001%). Predicted Consequence/Location: Stop-gained (nonsense): predicted to result in a loss or disruption of normal protein function through nonsense-mediated decay (NMD) or protein truncation. Multiple pathogenic variants are reported downstream of the variant. The variant has been reported at least twice as pathogenic with clinical assertions and evidence for the classification (ClinVar ID: VCV000181913 /PMID: 9711876). Therefore, this variant is classified as Pathogenic according to the recommendation of ACMG/AMP guideline.

Ambry Genetics
Classification: Pathogenic for Hereditary cancer-predisposing syndrome. Last evaluated: 2024-08-14. Review status: criteria provided, single submitter. Criteria: Ambry Variant Classification Scheme 2023. Collection method: clinical testing. Allele origin: germline.
Comment: The p.R248* pathogenic mutation (also known as c.742C>T), located in coding exon 6 of the ATM gene, results from a C to T substitution at nucleotide position 742. This changes the amino acid from an arginine to a stop codon within coding exon 6. This mutation was identified in the compound heterozygous state in three individuals with ataxia telangiectasia, although phase was not confirmed (Sasaki T et al. Hum. Mutat. 1998;12:186-95; Mitui M et al. Ann. Hum. Genet. 2005 Nov;69:657-64). In addition to the clinical data presented in the literature, this alteration is expected to result in loss of function by premature protein truncation or nonsense-mediated mRNA decay. As such, this alteration is interpreted as a disease-causing mutation.

GeneDx
Classification: Pathogenic. Last evaluated: 2024-02-21. Review status: criteria provided, single submitter. Criteria: GeneDx Variant Classification Process June 2021. Collection method: clinical testing. Allele origin: germline. Affected: yes.
Comment: Nonsense variant predicted to result in protein truncation or nonsense mediated decay in a gene for which loss-of-function is a known mechanism of disease; Observed in the heterozygous state in individuals with ATM-related cancers referred for genetic testing at GeneDx and in published literature (PMID: 25186627, 27433846, 27732944, 28281021); Observed in the compound heterozygous state with a second ATM variant in patients with ataxia telangiectasia in published literature, but it was not determined whether the variants occurred on the same (in cis) or on different (in trans) chromosomes in some cases (PMID: 9711876, 16266405, 30402232); Not observed at significant frequency in large population cohorts (gnomAD); Truncating variants in this gene are considered pathogenic by a well-established clinical consortium and/or database; This variant is associated with the following publications: (PMID: 25186627, 16266405, 34404412, 32826389, 32875559, 29922827, 9711876, 25525159, 25855536, 26681312, 25428789, 27433846, 28281021, 27732944, 30402232, 31447099, 31589614, 32427313, 35441217, 37685988, 37732318, 35938029, 36243179, 33309985, 36988593)

Myriad Genetics, Inc.
Classification: Pathogenic for Familial cancer of breast. Last evaluated: 2024-01-11. Review status: criteria provided, single submitter. Criteria: Myriad Autosomal Dominant, Autosomal Recessive and X-Linked Classification Criteria (2023). Collection method: clinical testing. Allele origin: unknown.
Comment: This variant is considered pathogenic. This variant creates a termination codon and is predicted to result in premature protein truncation.

Baylor Genetics
Classification: Pathogenic for Familial cancer of breast. Last evaluated: 2023-10-15. Review status: criteria provided, single submitter. Criteria: ACMG Guidelines, 2015. Collection method: clinical testing. Allele origin: unknown.

CeGaT Center for Human Genetics Tuebingen
Classification: Pathogenic. Last evaluated: 2023-09-01. Review status: criteria provided, single submitter. Criteria: CeGaT Center For Human Genetics Tuebingen Variant Classification Criteria Version 2. Collection method: clinical testing. Allele origin: germline. Affected: yes. Observed: 1 variant allele.
Comment: ATM: PM3:Very Strong, PVS1, PM2

Women's Health and Genetics/Laboratory Corporation of America, LabCorp
Classification: Pathogenic for Ataxia-telangiectasia syndrome. Last evaluated: 2020-12-26. Review status: criteria provided, single submitter. Criteria: LabCorp Variant Classification Summary - May 2015. Collection method: clinical testing. Allele origin: germline.
Comment: Variant summary: ATM c.742C>T (p.Arg248X) results in a premature termination codon, predicted to cause a truncation of the encoded protein or absence of the protein due to nonsense mediated decay, which are commonly known mechanisms for disease. Truncations downstream of this position have been classified as pathogenic by our laboratory. The variant allele was found at a frequency of 8e-06 in 251010 control chromosomes. c.742C>T has been reported in the literature in individuals affected with Ataxia-Telangiectasia (Micol_2011, Sasaki_1998, Mitui_2005, Ye_2018), Breast Cancer (Susswein_2015), and Prostate Cancer (Pritchard_2016). These data indicate that the variant is likely to be associated with disease. To our knowledge, no experimental evidence demonstrating an impact on protein function has been reported. Seven clinical diagnostic laboratories have submitted clinical-significance assessments for this variant to ClinVar after 2014 without evidence for independent evaluation. All laboratories classified the variant as pathogenic (n=6)/likely pathogenic. Based on the evidence outlined above, the variant was classified as pathogenic.

Revvity Omics, Revvity
Classification: Pathogenic for Ataxia-telangiectasia syndrome. Last evaluated: 2019-06-13. Review status: criteria provided, single submitter. Criteria: ACMG Guidelines, 2015. Collection method: clinical testing. Allele origin: germline.